The following is an entry in ClinVar:

ClinVar aggregate classification (germline): Likely pathogenic (1 of 4 stars; one submission).

Conditions:
Intellectual disability, autosomal dominant 9 (NESCAVS). Also called: NESCAV SYNDROME; KIF1A-Related Neurodevelopmental Disorder. Identifiers: Orphanet 662367, MedGen C5393830, MONDO:0013656, OMIM 614255.

Submission:

3billion
Classification: Likely pathogenic for Intellectual disability, autosomal dominant 9. Last evaluated: 2025-08-12. Review status: criteria provided, single submitter. Criteria: ACMG Guidelines, 2015. Collection method: clinical testing. Allele origin: germline. Affected: yes.
Comment: The variant is not observed in the gnomAD v4.1.0 dataset. Predicted Consequence/Location: The variant is located in a mutational hot spot and/or well-established functional domain in which established pathogenic variants have been reported (PMID: 31488895). In silico tool predictions suggest damaging effect of the variant on gene or gene product [REVEL: 0.91 (>=0.6, sensitivity 0.68 and specificity 0.92); 3Cnet: 0.99 (> 0.75, sensitivity 0.96 and precision 0.92)]. A different missense change at the same codon (p.Ser309Pro) has been reported to be associated with KIF1A-related disorder (ClinVar ID: VCV000245914). Therefore, this variant is classified as Likely pathogenic according to the recommendation of ACMG/AMP guideline.

NM_001244008.2(KIF1A):c.926C>A (p.Ser309Tyr)

Gene: KIF1A (kinesin family member 1A; minus strand). Cytogenetic location: 2q37.3.
Variant type: single nucleotide variant.
Coding change: c.926C>A on transcript NM_001244008.2 (MANE Select); coding-DNA position 926, C replaced by A.
Protein change: p.Ser309Tyr; replaces serine 309 with tyrosine.
Molecular consequence: missense variant.
Genome position (GRCh38, 1-based): chr2:240,775,883, G>T on the plus strand (C>A on the coding strand, the complement: KIF1A is on the minus strand). VCF-style: chr2-240775883-G-T. GRCh37 (hg19) VCF-style: chr2-241715300-G-T.
Other names: c.926C>A, p.Ser309Tyr (NM_001330289.2, NM_001330290.2, NM_001379631.1 and 20 more transcripts); short protein forms S309Y.
Identifiers: ClinVar variation 4856116 (VCV004856116.1).